The following is an entry in ClinVar:

NM_001365999.1(SZT2):c.8054A>G (p.Gln2685Arg)

Gene: SZT2 (SZT2 subunit of KICSTOR complex; plus strand). Cytogenetic location: 1p34.2.
Variant type: single nucleotide variant.
Coding change: c.8054A>G on transcript NM_001365999.1 (MANE Select); coding-DNA position 8054, A replaced by G.
Protein change: p.Gln2685Arg; replaces glutamine 2685 with arginine.
Molecular consequence: missense variant.
Genome position (GRCh38, 1-based): chr1:43,442,521, A>G. VCF-style: chr1-43442521-A-G. GRCh37 (hg19) VCF-style: chr1-43908192-A-G.
Other names: c.7883A>G, p.Gln2628Arg (NM_015284.4); short protein forms Q2628R, Q2685R.
Identifiers: ClinVar variation 1423618 (VCV001423618.8), dbSNP rs2153935947, ClinGen allele CA340037415.
Genomic context (GRCh38, chr1:43,442,521, plus strand): 5'-ACTGGGCTCCAGACCTGGGGGCAGCATTGGGCCGAGCGCTGGTTCGCCTGGTGCAGTGGC[A>G]GAATGCACGAGCCCATCTCATCTTCTGCCTACTCAGCCAGAAGCTTGGCCTCTTCCATCA-3'
Protein context (NP_001352928.1, residues 2675-2695): GRALVRLVQW[Gln2685Arg]NARAHLIFCL

ClinVar aggregate classification (germline): Uncertain significance (1 of 4 stars; one submission).

Submission:

Labcorp Genetics (formerly Invitae), Labcorp
Classification: Uncertain significance. Last evaluated: 2022-03-19. Review status: criteria provided, single submitter. Criteria: Invitae Variant Classification Sherloc (09022015). Collection method: clinical testing. Allele origin: germline.
Comment: In summary, the available evidence is currently insufficient to determine the role of this variant in disease. Therefore, it has been classified as a Variant of Uncertain Significance. Algorithms developed to predict the effect of missense changes on protein structure and function are either unavailable or do not agree on the potential impact of this missense change (SIFT: "Tolerated"; PolyPhen-2: "Probably Damaging"; Align-GVGD: "Class C0"). This variant has not been reported in the literature in individuals affected with SZT2-related conditions. This variant is not present in population databases (gnomAD no frequency). This sequence change replaces glutamine, which is neutral and polar, with arginine, which is basic and polar, at codon 2628 of the SZT2 protein (p.Gln2628Arg).